The following is an entry in ClinVar:

ClinVar aggregate classification (germline): Uncertain significance. Review status: criteria provided, multiple submitters, no conflicts (2 of 4 stars). 5 submissions from 5 submitters: Uncertain significance (5). Last evaluated 2025-09-03.

Conditions:
TRIM32-related disorder. Also called: TRIM32-related condition.
Inborn genetic diseases. Identifiers: MedGen C0950123, MeSH D030342.
Bardet-Biedl syndrome (BBS). Identifiers: Orphanet 110, MedGen C0752166, MONDO:0015229.

Allele frequency attached by ClinVar (database versions not stated): ExAC 0.00002; gnomAD exomes 0.00002 and 0.00001; TOPMed 0.00002; gnomAD 0.00003 and 0.00004.
gnomAD v4.1: 24 of 1,614,078 alleles (0.0015%); highest among the groups gnomAD compares: African/African-American, 0.0053%; no homozygotes.

Submissions (5):

PreventionGenetics, part of Exact Sciences
Classification: Uncertain significance for TRIM32-related condition. Last evaluated: 2025-09-03. Review status: criteria provided, single submitter. Criteria: ACMG Guidelines, 2015. Collection method: clinical testing. Allele origin: germline.
Comment: The TRIM32 c.1384G>A variant is predicted to result in the amino acid substitution p.Val462Met. To our knowledge, this variant has not been reported in the literature. This variant is reported in 0.016% of alleles in individuals of African descent in gnomAD. At this time, the clinical significance of this variant is uncertain due to the absence of conclusive functional and genetic evidence.

CeGaT Center for Human Genetics Tuebingen
Classification: Uncertain significance. Last evaluated: 2023-08-01. Review status: criteria provided, single submitter. Criteria: CeGaT Center For Human Genetics Tuebingen Variant Classification Criteria Version 2. Collection method: clinical testing. Allele origin: germline. Affected: yes. Observed: 1 variant allele.

Ambry Genetics
Classification: Uncertain significance for Inborn genetic diseases. Last evaluated: 2023-04-13. Review status: criteria provided, single submitter. Criteria: Ambry Variant Classification Scheme 2023. Collection method: clinical testing. Allele origin: germline.

Labcorp Genetics (formerly Invitae), Labcorp
Classification: Uncertain significance for Bardet-Biedl syndrome. Last evaluated: 2022-08-15. Review status: criteria provided, single submitter. Criteria: Invitae Variant Classification Sherloc (09022015). Collection method: clinical testing. Allele origin: germline.
Comment: This sequence change replaces valine, which is neutral and non-polar, with methionine, which is neutral and non-polar, at codon 462 of the TRIM32 protein (p.Val462Met). This variant is present in population databases (rs772922696, gnomAD 0.02%). This variant has not been reported in the literature in individuals affected with TRIM32-related conditions. ClinVar contains an entry for this variant (Variation ID: 411138). Algorithms developed to predict the effect of missense changes on protein structure and function are either unavailable or do not agree on the potential impact of this missense change (SIFT: "Deleterious"; PolyPhen-2: "Benign"; Align-GVGD: "Class C0"). In summary, the available evidence is currently insufficient to determine the role of this variant in disease. Therefore, it has been classified as a Variant of Uncertain Significance.

Revvity Omics, Revvity
Classification: Uncertain significance. Last evaluated: 2019-09-03. Review status: criteria provided, single submitter. Criteria: ACMG Guidelines, 2015. Collection method: clinical testing. Allele origin: germline.

NM_012210.4(TRIM32):c.1384G>A (p.Val462Met)

Genes: ASTN2 (astrotactin 2; minus strand), TRIM32 (tripartite motif containing 32; plus strand). Cytogenetic location: 9q33.1.
Variant type: single nucleotide variant.
Coding change: c.1384G>A on transcript NM_012210.4 (MANE Select); coding-DNA position 1384, G replaced by A.
Protein change: p.Val462Met; replaces valine 462 with methionine.
Molecular consequence: missense variant. On other transcripts: intron variant (3).
Genome position (GRCh38, 1-based): chr9:116,699,126, G>A. VCF-style: chr9-116699126-G-A. GRCh37 (hg19) VCF-style: chr9-119461405-G-A.
Other names: c.1384G>A, p.Val462Met (NM_001099679.2, NM_001379048.1, NM_001379049.1 and 1 more transcripts); c.2653+26645C>T (NM_014010.5); c.2794+26645C>T (NM_001365069.1); c.2806+26645C>T (NM_001365068.1); short protein forms V462M.
Identifiers: ClinVar variation 411138 (VCV000411138.38), dbSNP rs772922696, ClinGen allele CA5211138.